The following is an entry in ClinVar:

NM_001040108.2(MLH3):c.1249G>T (p.Ala417Ser)

Gene: MLH3 (mutL homolog 3; minus strand). Cytogenetic location: 14q24.3.
Variant type: single nucleotide variant.
Coding change: c.1249G>T on transcript NM_001040108.2 (MANE Select); coding-DNA position 1249, G replaced by T.
Protein change: p.Ala417Ser; replaces alanine 417 with serine.
Molecular consequence: missense variant.
Genome position (GRCh38, 1-based): chr14:75,048,407, C>A on the plus strand (G>T on the coding strand, the complement: MLH3 is on the minus strand). VCF-style: chr14-75048407-C-A. GRCh37 (hg19) VCF-style: chr14-75515110-C-A.
Other names: c.1249G>T, p.Ala417Ser (NM_014381.3); c.1249G>T (NM_001040108.1); short protein forms A417S.
Identifiers: ClinVar variation 1040055 (VCV001040055.7), dbSNP rs1892420067, ClinGen allele CA390446826.

ClinVar aggregate classification (germline): Uncertain significance. Review status: criteria provided, multiple submitters, no conflicts (2 of 4 stars). 2 submissions from 2 submitters: Uncertain significance (2). Last evaluated 2024-06-30.

Conditions:
Colorectal cancer, hereditary nonpolyposis, type 7. Identifiers: Orphanet 144, MedGen C1858380, MONDO:0013725, OMIM 614385.

Allele frequency attached by ClinVar (database versions not stated): gnomAD exomes below 0.00001.
gnomAD v4.1: 1 of 1,608,112 alleles (0.000062%); highest among the groups gnomAD compares: Non-Finnish European, 0.000085%; no homozygotes.

Submissions (2):

Ambry Genetics
Classification: Uncertain significance. Last evaluated: 2024-06-30. Review status: criteria provided, single submitter. Criteria: Ambry Variant Classification Scheme 2023. Collection method: clinical testing. Allele origin: germline.
Comment: The p.A417S variant (also known as c.1249G>T), located in coding exon 1 of the MLH3 gene, results from a G to T substitution at nucleotide position 1249. The alanine at codon 417 is replaced by serine, an amino acid with similar properties. This amino acid position is conserved. In addition, this alteration is predicted to be tolerated by in silico analysis. Based on the available evidence, the clinical significance of this variant remains unclear.

Labcorp Genetics (formerly Invitae), Labcorp
Classification: Uncertain significance for Colorectal cancer, hereditary nonpolyposis, type 7. Last evaluated: 2021-09-04. Review status: criteria provided, single submitter. Criteria: Invitae Variant Classification Sherloc (09022015). Collection method: clinical testing. Allele origin: germline.
Comment: This sequence change replaces alanine with serine at codon 417 of the MLH3 protein (p.Ala417Ser). The alanine residue is weakly conserved and there is a moderate physicochemical difference between alanine and serine. This variant is not present in population databases (ExAC no frequency). This variant has not been reported in the literature in individuals affected with MLH3-related conditions. Algorithms developed to predict the effect of missense changes on protein structure and function (SIFT, PolyPhen-2, Align-GVGD) all suggest that this variant is likely to be tolerated. In summary, the available evidence is currently insufficient to determine the role of this variant in disease. Therefore, it has been classified as a Variant of Uncertain Significance.